The following is an entry in ClinVar:

ClinVar aggregate classification (germline): Uncertain significance (1 of 4 stars; one submission).

Conditions:
Peroxisome biogenesis disorder 8B (PBD8B). Identifiers: Orphanet 44, MedGen C3553960, MONDO:0013943, OMIM 614877.

Submission:

3billion
Classification: Uncertain significance for Peroxisome biogenesis disorder 8B. Last evaluated: 2023-11-17. Review status: criteria provided, single submitter. Criteria: ACMG Guidelines, 2015. Collection method: clinical testing. Allele origin: germline. Affected: yes.
Comment: The variant is not observed in the gnomAD v2.1.1 dataset. Predicted Consequence/Location: The majority of the known disease-causing variants of this gene are variants expected to result in premature termination of the protein. Premature termination of the protein is a common disease-causing mechanism for this gene. In silico tool predictions suggest damaging effect of the variant on gene or gene product [3Cnet: 0.80 (>=0.6, sensitivity 0.72 and precision 0.9)]. SpliceAI prediction score is not significant at 0.12 (>=0.2, moderate evidence for spliceogenicity), however if abnormal splicing occurs as predicted, premature termination of the protein is expected. Therefore, this variant is classified as VUS according to the recommendation of ACMG/AMP guideline.

NM_004813.4(PEX16):c.758A>T (p.Asp253Val)

Gene: PEX16 (peroxisomal biogenesis factor 16; minus strand). Cytogenetic location: 11p11.2.
Variant type: single nucleotide variant.
Coding change: c.758A>T on transcript NM_004813.4 (MANE Select); coding-DNA position 758, A replaced by T.
Protein change: p.Asp253Val; replaces aspartic acid 253 with valine.
Molecular consequence: missense variant.
Genome position (GRCh38, 1-based): chr11:45,914,140, T>A on the plus strand (A>T on the coding strand, the complement: PEX16 is on the minus strand). VCF-style: chr11-45914140-T-A. GRCh37 (hg19) VCF-style: chr11-45935691-T-A.
Other names: c.758A>T, p.Asp253Val (NM_057174.3); short protein forms D253V.
Identifiers: ClinVar variation 3775470 (VCV003775470.1).